The following is an entry in ClinVar:

NM_004655.4(AXIN2):c.555T>A (p.Asn185Lys)

Gene: AXIN2 (axin 2; minus strand). Cytogenetic location: 17q24.1.
Variant type: single nucleotide variant.
Coding change: c.555T>A on transcript NM_004655.4 (MANE Select); coding-DNA position 555, T replaced by A.
Protein change: p.Asn185Lys; replaces asparagine 185 with lysine.
Molecular consequence: missense variant.
Genome position (GRCh38, 1-based): chr17:65,558,066, A>T on the plus strand (T>A on the coding strand, the complement: AXIN2 is on the minus strand). VCF-style: chr17-65558066-A-T. GRCh37 (hg19) VCF-style: chr17-63554184-A-T.
Other names: c.555T>A, p.Asn185Lys (NM_001363813.1); short protein forms N185K.
Identifiers: ClinVar variation 2064463 (VCV002064463.4), dbSNP rs2544249587, ClinGen allele CA400680905.
Genomic context (GRCh38, chr17:65,558,066, plus strand): 5'-TTCTCCCCCACTCCTCACATATTCGAGGTATATATCAGAAGTCAAAAACATCTGGTAGGC[A>T]TTTTCCTCCATCACCGACTGGATCTCGGTCTGCGCCTGGTCAAACATGATGGAATCAATC-3'
Protein context (NP_004646.3, residues 175-195): QTEIQSVMEE[Asn185Lys]AYQMFLTSDI

ClinVar aggregate classification (germline): Uncertain significance (1 of 4 stars; one submission).

Conditions:
Oligodontia-cancer predisposition syndrome. Also called: TOOTH AGENESIS-COLORECTAL CANCER SYNDROME. Identifiers: Orphanet 300576, MedGen C1837750, MONDO:0012075, OMIM 608615. Disease mechanism: loss of function.

Submission:

Labcorp Genetics (formerly Invitae), Labcorp
Classification: Uncertain significance for Oligodontia-cancer predisposition syndrome. Last evaluated: 2021-12-29. Review status: criteria provided, single submitter. Criteria: Invitae Variant Classification Sherloc (09022015). Collection method: clinical testing. Allele origin: germline.
Comment: In summary, the available evidence is currently insufficient to determine the role of this variant in disease. Therefore, it has been classified as a Variant of Uncertain Significance. Algorithms developed to predict the effect of missense changes on protein structure and function (SIFT, PolyPhen-2, Align-GVGD) all suggest that this variant is likely to be disruptive. This variant has not been reported in the literature in individuals affected with AXIN2-related conditions. This variant is not present in population databases (gnomAD no frequency). This sequence change replaces asparagine, which is neutral and polar, with lysine, which is basic and polar, at codon 185 of the AXIN2 protein (p.Asn185Lys).